The following is an entry in ClinVar:

NM_032588.4(TRIM63):c.335G>A (p.Arg112Gln)

Gene: TRIM63 (tripartite motif containing 63; minus strand). Cytogenetic location: 1p36.11.
Variant type: single nucleotide variant.
Coding change: c.335G>A on transcript NM_032588.4 (MANE Select); coding-DNA position 335, G replaced by A.
Protein change: p.Arg112Gln; replaces arginine 112 with glutamine.
Molecular consequence: missense variant.
Genome position (GRCh38, 1-based): chr1:26,061,332, C>T on the plus strand (G>A on the coding strand, the complement: TRIM63 is on the minus strand). VCF-style: chr1-26061332-C-T. GRCh37 (hg19) VCF-style: chr1-26387823-C-T.
Other names: c.335G>A (NM_032588.2); short protein forms R112Q.
Identifiers: ClinVar variation 1699159 (VCV001699159.5), dbSNP rs775364417, ClinGen allele CA699696.

ClinVar aggregate classification (germline): Uncertain significance. Review status: criteria provided, multiple submitters, no conflicts (2 of 4 stars). 3 submissions from 3 submitters: Uncertain significance (3). Last evaluated 2025-04-09.

Conditions:
Inborn genetic diseases. Identifiers: MedGen C0950123, MeSH D030342.
Cardiovascular phenotype. Identifiers: MedGen CN230736.
Hypertrophic cardiomyopathy. Also called: HYPERTROPHIC MYOCARDIOPATHY. Identifiers: Orphanet 217569, MedGen C0007194, MeSH D002312, MONDO:0005045, HP:0001639.

Allele frequency attached by ClinVar (database versions not stated): gnomAD 0.00002 and 0.00001; gnomAD exomes 0.00002 and 0.00005; TOPMed 0.00003; ExAC 0.00002.

Submissions (3):

Molecular Diagnostic Laboratory for Inherited Cardiovascular Disease, Montreal Heart Institute
Classification: Uncertain significance for Cardiovascular phenotype. Last evaluated: 2025-04-09. Review status: criteria provided, single submitter. Criteria: ACMG Guidelines, 2015. Collection method: clinical testing. Allele origin: germline. Affected: yes.
Comment: PM2

Ambry Genetics
Classification: Uncertain significance for Inborn genetic diseases. Last evaluated: 2025-02-15. Review status: criteria provided, single submitter. Criteria: Ambry Variant Classification Scheme 2023. Collection method: clinical testing. Allele origin: germline.

Victorian Clinical Genetics Services, Murdoch Childrens Research Institute
Classification: Uncertain significance for Hypertrophic cardiomyopathy. Last evaluated: 2023-07-16. Review status: criteria provided, single submitter. Criteria: ACMG Guidelines, 2015. Collection method: clinical testing. Allele origin: germline. Inheritance: Autosomal recessive inheritance. Affected: yes.
Comment: Based on the classification scheme VCGS_Germline_v1.3.4, this variant is classified as VUS-3B. Following criteria are met: 0102 - Loss of function is a likely mechanism of disease in this gene and is associated with hypertrophic cardiomyopathy (HCM) (PMID: 32451364). (I) 0106 - This gene is associated with autosomal recessive disease (PMID: 32451364). (I) 0200 - Variant is predicted to result in a missense amino acid change from arginine to glutamine. (I) 0251 - This variant is heterozygous. (I) 0304 - Variant is present in gnomAD (v2) <0.01 for a recessive condition (12 heterozygotes, 0 homozygotes). (SP) 0309 - An alternative amino acid change at the same position has been observed in gnomAD (v2) (12 heterozygotes, 0 homozygotes). (I) 0502 - Missense variant with conflicting in silico predictions and uninformative conservation. (I) 0600 - Variant is located in the annotated MFC domain (PMID: 32451364). (I) 0705 - No comparable missense variants have previous evidence for pathogenicity. (I) 0807 - This variant has no previous evidence of pathogenicity. (I) 0905 - No published segregation evidence has been identified for this variant. (I) 1007 - No published functional evidence has been identified for this variant. (I) 1208 - Inheritance information for this variant is not currently available in this individual. (I) Legend: (SP) - Supporting pathogenic, (I) - Information, (SB) - Supporting benign

Literature cited by the submitters: PubMed 32451364 (cited by Victorian Clinical Genetics Services, Murdoch Childrens Research Institute).